The following is an entry in ClinVar:

ClinVar aggregate classification (germline): Uncertain significance. Review status: criteria provided, multiple submitters, no conflicts (2 of 4 stars). 2 submissions from 2 submitters: Uncertain significance (2). Last evaluated 2025-05-17.

Conditions:
BBS9-related disorder. Also called: BBS9-related condition.
Bardet-Biedl syndrome 9 (BBS9). Identifiers: Orphanet 110, MedGen C1859567, MONDO:0014437, OMIM 615986.

gnomAD v4.1: 7 of 1,613,752 alleles (0.00043%); highest among the groups gnomAD compares: Admixed American, 0.0017%; no homozygotes.

Submissions (2):

PreventionGenetics, part of Exact Sciences
Classification: Uncertain significance for BBS9-related condition. Last evaluated: 2025-05-17. Review status: criteria provided, single submitter. Criteria: ACMG Guidelines, 2015. Collection method: clinical testing. Allele origin: germline.
Comment: The BBS9 c.2116-10A>G variant is predicted to interfere with splicing. To our knowledge, this variant has not been reported in the literature. This variant is reported in 0.0028% of alleles in individuals of Latino descent in gnomAD. This variant is predicted to alter splicing based on available splicing prediction programs (SpliceAI, Jaganathan et al. 2019. PubMed ID: 30661751). However, the use of computer prediction programs is not equivalent to functional evidence, and therefore the clinical significance of this variant is uncertain.

Fulgent Genetics
Classification: Uncertain significance for Bardet-Biedl syndrome 9. Last evaluated: 2024-02-10. Review status: criteria provided, single submitter. Criteria: ACMG Guidelines, 2015. Collection method: clinical testing. Allele origin: germline.

NM_198428.3(BBS9):c.2116-10A>G

Gene: BBS9 (Bardet-Biedl syndrome 9; plus strand). Cytogenetic location: 7p14.3.
Variant type: single nucleotide variant.
Coding change: c.2116-10A>G on transcript NM_198428.3 (MANE Select); 10 bases into the intron before coding-DNA position 2116, A replaced by G.
Molecular consequence: intron variant.
Genome position (GRCh38, 1-based): chr7:33,505,453, A>G. VCF-style: chr7-33505453-A-G. GRCh37 (hg19) VCF-style: chr7-33545065-A-G.
Other names: c.1750-10A>G (NM_001348046.3, NM_001348045.3); c.1645-10A>G (NM_001348044.3); c.2116-10A>G (NM_001348036.1, NM_001362679.1, NM_001348041.4 and 2 more transcripts); c.1843-10A>G (NM_001348038.3); c.1738-10A>G (NM_001348039.3); c.2101-10A>G (NM_001033605.2); c.2011-10A>G (NM_001033604.2); c.1996-10A>G (NM_014451.4, NM_001348040.3); and 2 more.
Identifiers: ClinVar variation 3594572 (VCV003594572.2).
Genomic context (GRCh38, chr7:33,505,453, plus strand): 5'-GCCAGACATAATTTGTTGAGGGCTCAATAATTGTGAAATTATCCCTAACCGAAGTTTGTA[A>G]TATCTGCAGGTAATTGCTCTAGCAGATGCAGTGGAGGAAAACCAAGGCAATCTGTTCCAG-3'